The following is an entry in ClinVar:

ClinVar aggregate classification (germline): Uncertain significance (1 of 4 stars; one submission).

Submission:

Dasa
Classification: Uncertain significance. Last evaluated: 2025-05-31. Review status: criteria provided, single submitter. Criteria: DASA Assertion Criteria. Collection method: clinical testing. Allele origin: germline.
Comment: NM_006231.4(POLE):c.6478_6495del (p.Ser2160_Arg2165del) is an in-frame deletion predicted to remove amino acids from serine at protein position 2160 through arginine at protein position 2165 without shifting the reading frame. This variant is absent from population databases. The currently available literature and clinical evidence are not sufficient to establish a definitive association between this variant and the reported condition. Therefore, this variant is classified as a variant of uncertain significance.

NM_006231.4(POLE):c.6478_6495del (p.Ser2160_Arg2165del)

Gene: POLE (DNA polymerase epsilon, catalytic subunit; minus strand). Cytogenetic location: 12q24.33.
Variant type: Deletion.
Coding change: c.6478_6495del on transcript NM_006231.4 (MANE Select); coding-DNA positions 6478 to 6495, 18 bases deleted (AGCTGTAACTTCTGCCGC).
Protein change: p.Ser2160_Arg2165del.
Molecular consequence: inframe deletion.
Genome position (GRCh38, 1-based): chr12:132,626,153-132,626,170, GCGGCAGAAGTTACAGCT deleted on the plus strand (AGCTGTAACTTCTGCCGC on the coding strand, the reverse complement: POLE is on the minus strand); deleting any 18 consecutive bases within chr12:132,626,153-132,626,178 gives the same sequence; the c. name uses the placement nearest the transcript's 3' end. VCF-style (leftmost placement, unchanged base first): chr12-132626152-CGCGGCAGAAGTTACAGCT-C. GRCh37 (hg19) VCF-style: chr12-133202738-CGCGGCAGAAGTTACAGCT-C.
Identifiers: ClinVar variation 4884129 (VCV004884129.2).